The following is an entry in ClinVar:

ClinVar aggregate classification (germline): Benign/Likely benign. Review status: criteria provided, multiple submitters, no conflicts (2 of 4 stars). 7 submissions from 7 submitters: Benign (2); Likely benign (5). Last evaluated 2025-11-01.

Conditions:
Age related macular degeneration 1 (ARMD1). Also called: MACULOPATHY, AGE-RELATED, 1. Identifiers: MedGen C1864205, MONDO:0011285, OMIM 603075.

Allele frequency attached by ClinVar (database versions not stated): 1000 Genomes Project 30x 0.00141; 1000 Genomes Project 0.00200; ESP Exome Variant Server 0.00254; TOPMed 0.00355; gnomAD 0.00438 and 0.00449; gnomAD exomes 0.00457 and 0.00628; ExAC 0.00480.
gnomAD v4.1: 9,757 of 1,613,778 alleles (0.6%); highest among the groups gnomAD compares: Non-Finnish European, 0.72%; 35 homozygotes.

Submissions (7):

CeGaT Center for Human Genetics Tuebingen
Classification: Likely benign. Last evaluated: 2025-11-01. Review status: criteria provided, single submitter. Criteria: CeGaT Center For Human Genetics Tuebingen Variant Classification Criteria Version 2. Collection method: clinical testing. Allele origin: germline. Affected: yes. Observed: 3 variant alleles.
Comment: HMCN1: BP4, BS2

Genome-Nilou Lab
Classification: Likely benign for Age related macular degeneration 1. Last evaluated: 2023-04-11. Review status: criteria provided, single submitter. Criteria: ACMG Guidelines, 2015. Collection method: clinical testing. Allele origin: germline. Affected: no.

Fulgent Genetics
Classification: Likely benign for Age related macular degeneration 1. Last evaluated: 2022-03-29. Review status: criteria provided, single submitter. Criteria: ACMG Guidelines, 2015. Collection method: clinical testing. Allele origin: unknown.

Labcorp Genetics (formerly Invitae), Labcorp
Classification: Benign. Last evaluated: 2019-12-31. Review status: criteria provided, single submitter. Criteria: Invitae Variant Classification Sherloc (09022015). Collection method: clinical testing. Allele origin: germline.

Illumina Laboratory Services, Illumina
Classification: Likely benign for Age related macular degeneration 1. Last evaluated: 2018-01-12. Review status: criteria provided, single submitter. Criteria: ICSL Variant Classification Criteria 13 December 2019. Collection method: clinical testing. Allele origin: germline.
Comment: This variant was observed in the ICSL laboratory as part of a predisposition screen in an ostensibly healthy population. It had not been previously curated by ICSL or reported in the Human Gene Mutation Database (HGMD: prior to June 1st, 2018), and was therefore a candidate for classification through an automated scoring system. Utilizing variant allele frequency, disease prevalence and penetrance estimates, and inheritance mode, an automated score was calculated to assess if this variant is too frequent to cause the disease. Based on the score and internal cut-off values, a variant classified as likely benign is not then subjected to further curation. The score for this variant resulted in a classification of likely benign for this disease.

Eurofins Ntd Llc (ga)
Classification: Benign. Last evaluated: 2015-01-13. Review status: criteria provided, single submitter. Criteria: EGL Classification Definitions 2015. Collection method: clinical testing. Allele origin: germline.

Breakthrough Genomics
Classification: Likely benign. Review status: criteria provided, single submitter. Criteria: ACMG Guidelines, 2015. Collection method: not provided. Allele origin: germline. Inheritance: Autosomal dominant inheritance. Affected: yes.

NM_031935.3(HMCN1):c.15011C>T (p.Thr5004Ile)

Genes: HMCN1 (hemicentin 1; plus strand), LOC129388665 (MPRA-validated peak513 silencer; plus strand). Cytogenetic location: 1q31.1.
Variant type: single nucleotide variant.
Coding change: c.15011C>T on transcript NM_031935.3 (MANE Select); coding-DNA position 15011, C replaced by T.
Protein change: p.Thr5004Ile; replaces threonine 5004 with isoleucine.
Molecular consequence: missense variant.
Genome position (GRCh38, 1-based): chr1:186,152,864, C>T. VCF-style: chr1-186152864-C-T. GRCh37 (hg19) VCF-style: chr1-186121996-C-T.
Other names: short protein forms T5004I.
Identifiers: ClinVar variation 199239 (VCV000199239.39), dbSNP rs114629728, ClinGen allele CA203811.
Genomic context (GRCh38, chr1:186,152,864, plus strand): 5'-TGCTGCTAGATATCGTTGTGAGTGGCTATGTCCTACAGCTTCAGTCACCTGCTGAAGTCA[C>T]TGTAAAGGTAAAATGCCAGGATAACTTGTCTTTGCTGCTTATTAGAGTAATGATGAGTGA-3'
Protein context (NP_114141.2, residues 4994-5014): VLQLQSPAEV[Thr5004Ile]VKDYTEDYIQ